The following is an entry in ClinVar:

ClinVar aggregate classification (germline): Uncertain significance (1 of 4 stars; one submission).

Conditions:
Joubert syndrome. Also called: JOUBERT-BOLTSHAUSER SYNDROME; Familial aplasia of the vermis. Identifiers: Orphanet 475, MedGen C5979921, MONDO:0018772.
Meckel-Gruber syndrome. Also called: Dysencephalia splachnocystica; DYSENCEPHALIA SPLANCHNOCYSTICA; GRUBER SYNDROME. Identifiers: Orphanet 564, MedGen C0265215, MONDO:0018921.

Allele frequency attached by ClinVar (database versions not stated): gnomAD exomes below 0.00001.
gnomAD v4.1: 1 of 1,602,544 alleles (0.000062%); highest among the groups gnomAD compares: South Asian, 0.0011%; no homozygotes.

Submission:

Labcorp Genetics (formerly Invitae), Labcorp
Classification: Uncertain significance for Joubert syndrome; Meckel-Gruber syndrome. Last evaluated: 2022-04-18. Review status: criteria provided, single submitter. Criteria: Invitae Variant Classification Sherloc (09022015). Collection method: clinical testing. Allele origin: germline.
Comment: This sequence change replaces lysine, which is basic and polar, with asparagine, which is neutral and polar, at codon 511 of the CC2D2A protein (p.Lys511Asn). This variant is not present in population databases (gnomAD no frequency). This variant has not been reported in the literature in individuals affected with CC2D2A-related conditions. ClinVar contains an entry for this variant (Variation ID: 652320). Advanced modeling of protein sequence and biophysical properties (such as structural, functional, and spatial information, amino acid conservation, physicochemical variation, residue mobility, and thermodynamic stability) performed at Invitae indicates that this missense variant is not expected to disrupt CC2D2A protein function. In summary, the available evidence is currently insufficient to determine the role of this variant in disease. Therefore, it has been classified as a Variant of Uncertain Significance.

NM_001378615.1(CC2D2A):c.1533A>T (p.Lys511Asn)

Genes: FBXL5 (F-box and leucine rich repeat protein 5; minus strand), CC2D2A (coiled-coil and C2 domain containing 2A; plus strand). Cytogenetic location: 4p15.32.
Variant type: single nucleotide variant.
Coding change: c.1533A>T on transcript NM_001378615.1 (MANE Select); coding-DNA position 1533, A replaced by T.
Protein change: p.Lys511Asn; replaces lysine 511 with asparagine.
Molecular consequence: missense variant.
Genome position (GRCh38, 1-based): chr4:15,533,259, A>T. VCF-style: chr4-15533259-A-T. GRCh37 (hg19) VCF-style: chr4-15534882-A-T.
Other names: c.1533A>T, p.Lys511Asn (NM_001080522.2); c.1386A>T, p.Lys462Asn (NM_001378617.1); short protein forms K511N, K462N.
Identifiers: ClinVar variation 652320 (VCV000652320.4), dbSNP rs1577354625, ClinGen allele CA356410974.